The following is an entry in ClinVar:

NM_005378.6(MYCN):c.566C>T (p.Pro189Leu)

Gene: MYCN (MYCN proto-oncogene, bHLH transcription factor; plus strand). Cytogenetic location: 2p24.3.
Variant type: single nucleotide variant.
Coding change: c.566C>T on transcript NM_005378.6 (MANE Select); coding-DNA position 566, C replaced by T.
Protein change: p.Pro189Leu; replaces proline 189 with leucine.
Molecular consequence: missense variant. On other transcripts: 3 prime UTR variant (1), intron variant (1).
Genome position (GRCh38, 1-based): chr2:15,942,630, C>T. VCF-style: chr2-15942630-C-T. GRCh37 (hg19) VCF-style: chr2-16082752-C-T.
Other names: c.566C>T (NM_005378.4); c.566C>T, p.Pro189Leu (NM_001293228.2); c.*501C>T (NM_001293233.2); c.157+1887C>T (NM_001293231.2); short protein forms P189L.
Identifiers: ClinVar variation 3584510 (VCV003584510.4).

ClinVar aggregate classification (germline): Uncertain significance. Review status: criteria provided, multiple submitters, no conflicts (2 of 4 stars). 3 submissions from 3 submitters: Uncertain significance (3). Last evaluated 2026-05-20.

Conditions:
Feingold syndrome type 1 (FGLDS1). Also called: MICROCEPHALY, MENTAL RETARDATION, AND TRACHEOESOPHAGEAL FISTULA SYNDROME; MICROCEPHALY-OCULO-DIGITO-ESOPHAGEAL-DUODENAL SYNDROME; OCULODIGITOESOPHAGODUODENAL SYNDROME; ODED SYNDROME; MICROCEPHALY AND DIGITAL ABNORMALITIES WITH NORMAL INTELLIGENCE. Identifiers: Orphanet 1305, Orphanet 391641, MedGen C4551774, MONDO:0008115, OMIM 164280.
Megalencephaly-polydactyly syndrome (MPAPA). Identifiers: MedGen C5935591, MONDO:0958279, OMIM 620748.
Inborn genetic diseases. Identifiers: MedGen C0950123, MeSH D030342.

Submissions (3):

Ambry Genetics
Classification: Uncertain significance for Inborn genetic diseases. Last evaluated: 2026-05-20. Review status: criteria provided, single submitter. Criteria: Ambry Variant Classification Scheme 2023. Collection method: clinical testing. Allele origin: germline.

Labcorp Genetics (formerly Invitae), Labcorp
Classification: Uncertain significance. Last evaluated: 2024-08-07. Review status: criteria provided, single submitter. Criteria: Invitae Variant Classification Sherloc (09022015). Collection method: clinical testing. Allele origin: germline.
Comment: This sequence change replaces proline, which is neutral and non-polar, with leucine, which is neutral and non-polar, at codon 189 of the MYCN protein (p.Pro189Leu). This variant is not present in population databases (gnomAD no frequency). This variant has not been reported in the literature in individuals affected with MYCN-related conditions. Advanced modeling of protein sequence and biophysical properties (such as structural, functional, and spatial information, amino acid conservation, physicochemical variation, residue mobility, and thermodynamic stability) has been performed at Invitae for this missense variant, however the output from this modeling did not meet the statistical confidence thresholds required to predict the impact of this variant on MYCN protein function. In summary, the available evidence is currently insufficient to determine the role of this variant in disease. Therefore, it has been classified as a Variant of Uncertain Significance.

Fulgent Genetics
Classification: Uncertain significance for Feingold syndrome type 1; Megalencephaly-polydactyly syndrome. Last evaluated: 2024-05-23. Review status: criteria provided, single submitter. Criteria: ACMG Guidelines, 2015. Collection method: clinical testing. Allele origin: germline.